The following is an entry in ClinVar:

ClinVar aggregate classification (germline): Uncertain significance (1 of 4 stars; one submission).

Allele frequency attached by ClinVar (database versions not stated): gnomAD 0.00001; ExAC 0.00002; TOPMed 0.00002.
gnomAD v4.1: 34 of 1,614,012 alleles (0.0021%); highest among the groups gnomAD compares: South Asian, 0.0033%; no homozygotes.

Submission:

Labcorp Genetics (formerly Invitae), Labcorp
Classification: Uncertain significance. Last evaluated: 2022-03-14. Review status: criteria provided, single submitter. Criteria: Invitae Variant Classification Sherloc (09022015). Collection method: clinical testing. Allele origin: germline.
Comment: In summary, the available evidence is currently insufficient to determine the role of this variant in disease. Therefore, it has been classified as a Variant of Uncertain Significance. Algorithms developed to predict the effect of missense changes on protein structure and function are either unavailable or do not agree on the potential impact of this missense change (SIFT: "Not Available"; PolyPhen-2: "Benign"; Align-GVGD: "Not Available"). This variant has not been reported in the literature in individuals affected with CLPX-related conditions. This variant is present in population databases (rs751694766, gnomAD 0.006%). This sequence change replaces arginine, which is basic and polar, with glutamine, which is neutral and polar, at codon 477 of the CLPX protein (p.Arg477Gln).

NM_006660.5(CLPX):c.1430G>A (p.Arg477Gln)

Gene: CLPX (caseinolytic mitochondrial matrix peptidase chaperone subunit X; minus strand). Cytogenetic location: 15q22.31.
Variant type: single nucleotide variant.
Coding change: c.1430G>A on transcript NM_006660.5 (MANE Select); coding-DNA position 1430, G replaced by A.
Protein change: p.Arg477Gln; replaces arginine 477 with glutamine.
Molecular consequence: missense variant. On other transcripts: non-coding transcript variant (1).
Genome position (GRCh38, 1-based): chr15:65,154,963, C>T on the plus strand (G>A on the coding strand, the complement: CLPX is on the minus strand). VCF-style: chr15-65154963-C-T. GRCh37 (hg19) VCF-style: chr15-65447301-C-T.
Other names: short protein forms R477Q.
Identifiers: ClinVar variation 1947757 (VCV001947757.5), dbSNP rs751694766, ClinGen allele CA7614642.